The following is an entry in ClinVar:

NM_006030.4(CACNA2D2):c.1051C>T (p.Arg351Cys)

Gene: CACNA2D2 (calcium voltage-gated channel auxiliary subunit alpha2delta 2; minus strand). Cytogenetic location: 3p21.31.
Variant type: single nucleotide variant.
Coding change: c.1051C>T on transcript NM_006030.4 (MANE Select); coding-DNA position 1051, C replaced by T.
Protein change: p.Arg351Cys; replaces arginine 351 with cysteine.
Molecular consequence: missense variant.
Genome position (GRCh38, 1-based): chr3:50,379,533, G>A on the plus strand (C>T on the coding strand, the complement: CACNA2D2 is on the minus strand). VCF-style: chr3-50379533-G-A. GRCh37 (hg19) VCF-style: chr3-50416964-G-A.
Other names: c.1051C>T, p.Arg351Cys (NM_001005505.3, NM_001174051.3); c.844C>T, p.Arg282Cys (NM_001291101.1); short protein forms R282C, R351C.
Identifiers: ClinVar variation 844692 (VCV000844692.5), dbSNP rs1705186332, ClinGen allele CA352936354.

ClinVar aggregate classification (germline): Uncertain significance (1 of 4 stars; one submission).

Conditions:
Developmental and epileptic encephalopathy. Identifiers: MedGen C5779964, MONDO:0100620.

gnomAD v4.1: 5 of 1,613,962 alleles (0.00031%); highest among the groups gnomAD compares: Middle Eastern, 0.016%; no homozygotes.

Submission:

Labcorp Genetics (formerly Invitae), Labcorp
Classification: Uncertain significance for Early-infantile DEE. Last evaluated: 2021-09-01. Review status: criteria provided, single submitter. Criteria: Invitae Variant Classification Sherloc (09022015). Collection method: clinical testing. Allele origin: germline.
Comment: This sequence change replaces arginine with cysteine at codon 351 of the CACNA2D2 protein (p.Arg351Cys). The arginine residue is highly conserved and there is a large physicochemical difference between arginine and cysteine. This variant is not present in population databases (ExAC no frequency). This variant has not been reported in the literature in individuals affected with CACNA2D2-related conditions. Algorithms developed to predict the effect of missense changes on protein structure and function are either unavailable or do not agree on the potential impact of this missense change (SIFT: "Deleterious"; PolyPhen-2: "Probably Damaging"; Align-GVGD: "Class C0"). In summary, the available evidence is currently insufficient to determine the role of this variant in disease. Therefore, it has been classified as a Variant of Uncertain Significance.